The following is an entry in ClinVar:

ClinVar aggregate classification (germline): Pathogenic (1 of 4 stars; one submission).

Conditions:
Recessive dystrophic epidermolysis bullosa (RDEB). Also called: DYSTROPHIC EPIDERMOLYSIS BULLOSA, AUTOSOMAL RECESSIVE; EPIDERMOLYSIS BULLOSA DYSTROPHICA, HALLOPEAU-SIEMENS TYPE; Hallopeau-Siemens Disease; severe generalized recessive dystrophic epidermolysis bullosa; EPIDERMOLYSIS BULLOSA DYSTROPHICA, GENERALIZED SEVERE, AUTOSOMAL RECESSIVE; Epidermolysis Bullosa Distrophica Autosomal Recessive (RDEB). Identifiers: Orphanet 79408, Orphanet 79409, MedGen C0079474, MONDO:0009179, OMIM 226600.

Submission:

Myriad Genetics, Inc.
Classification: Pathogenic for Recessive dystrophic epidermolysis bullosa. Last evaluated: 2026-03-02. Review status: criteria provided, single submitter. Criteria: Myriad Autosomal Dominant, Autosomal Recessive and X-Linked Classification Criteria (2023). Collection method: clinical testing. Allele origin: unknown.
Comment: NM_000094.3(COL7A1):c.353del1ins11(R118Pfs*14) is expected to be pathogenic in the context of dystrophic epidermolysis bullosa. This variant is predicted to lead to an abnormal or absent protein product due to the creation of a premature termination codon in COL7A1, a gene where loss-of-function variants are known to be pathogenic. Please note: this variant was assessed in the context of healthy population screening.

NM_000094.4(COL7A1):c.353delinsCCCCCTTGCAA (p.Arg118fs)

Gene: COL7A1 (collagen type VII alpha 1 chain; minus strand). Cytogenetic location: 3p21.31.
Variant type: Indel.
Coding change: c.353delinsCCCCCTTGCAA on transcript NM_000094.4 (MANE Select); coding-DNA position 353, G replaced by CCCCCTTGCAA.
Protein change: p.Arg118fs; shifts the reading frame from arginine 118.
Molecular consequence: frameshift variant.
Genome position (GRCh38, 1-based): chr3:48,593,610, C replaced by TTGCAAGGGGG on the plus strand (G replaced by CCCCCTTGCAA on the coding strand, the reverse complement: COL7A1 is on the minus strand). VCF-style: chr3-48593610-C-TTGCAAGGGGG. GRCh37 (hg19) VCF-style: chr3-48631043-C-TTGCAAGGGGG.
Other names: short protein forms R118fs.
Identifiers: ClinVar variation 5015627 (VCV005015627.1).
Genomic context (GRCh38, chr3:48,593,610, plus strand): 5'-GGTCGGGCCAGCTGGGGCAGGAAGACATGGTCAGCCACATGGAGAATTGCAGCCCCTGTG[C>TTGCAAGGGGG]GAGTGTTGCCCCCCTTGTAGCTAAGCTCACGGATGGCGCGGATCACATCACCCCCAGAGC-3'